The following is an entry in ClinVar:

NM_015909.4(NBAS):c.2764-3C>T

Gene: NBAS (NBAS subunit of NRZ tethering complex; minus strand). Cytogenetic location: 2p24.3.
Variant type: single nucleotide variant.
Coding change: c.2764-3C>T on transcript NM_015909.4 (MANE Select); 3 bases into the intron before coding-DNA position 2764, C replaced by T.
Molecular consequence: intron variant.
Genome position (GRCh38, 1-based): chr2:15,415,722, G>A on the plus strand (C>T on the coding strand, the complement: NBAS is on the minus strand). VCF-style: chr2-15415722-G-A. GRCh37 (hg19) VCF-style: chr2-15555846-G-A.
Identifiers: ClinVar variation 2706115 (VCV002706115.3), dbSNP rs2529002832, ClinGen allele CA2697547828.
Genomic context (GRCh38, chr2:15,415,722, plus strand): 5'-GATGAAGAAAGGGAACCATCCACTGGTAGGCACTTGTCACATATTTATCCTCAGAACACT[G>A]AAAGTACAATCAAGCAAAACAGACAAACAAGAATGAAGTTAAACTAAATGCCTTATTATA-3'

ClinVar aggregate classification (germline): Uncertain significance (1 of 4 stars; one submission).

Submission:

Labcorp Genetics (formerly Invitae), Labcorp
Classification: Uncertain significance. Last evaluated: 2023-12-28. Review status: criteria provided, single submitter. Criteria: Invitae Variant Classification Sherloc (09022015). Collection method: clinical testing. Allele origin: germline.
Comment: This sequence change falls in intron 24 of the NBAS gene. It does not directly change the encoded amino acid sequence of the NBAS protein. It affects a nucleotide within the consensus splice site. This variant is not present in population databases (gnomAD no frequency). This variant has not been reported in the literature in individuals affected with NBAS-related conditions. Variants that disrupt the consensus splice site are a relatively common cause of aberrant splicing (PMID: 17576681, 9536098). Algorithms developed to predict the effect of sequence changes on RNA splicing suggest that this variant is not likely to affect RNA splicing. In summary, the available evidence is currently insufficient to determine the role of this variant in disease. Therefore, it has been classified as a Variant of Uncertain Significance.

Literature cited by the submitters: PubMed 17576681; PubMed 9536098.